The following is an entry in ClinVar:

ClinVar aggregate classification (germline): Conflicting classifications of pathogenicity. Review status: criteria provided, conflicting classifications (1 of 4 stars). 6 submissions from 5 submitters: Uncertain significance (3); Likely benign (2). 1 of the submissions does not count toward it. Last evaluated 2025-10-06.

Conditions:
Hereditary hyperinsulinism.
Transitory neonatal diabetes mellitus. Also called: Transient neonatal diabetes mellitus. Identifiers: MedGen C0342273, MONDO:0020525, HP:0008255.
Maturity-onset diabetes of the young (MODY). Also called: Maturity onset diabetes mellitus in young. Identifiers: Orphanet 552, MedGen C0342276, MONDO:0018911, HP:0004904.

Allele frequency attached by ClinVar (database versions not stated): gnomAD 0.00003 and 0.00004; gnomAD exomes 0.00003 and 0.00007; TOPMed 0.00005; ESP Exome Variant Server 0.00008; ExAC 0.00011.
gnomAD v4.1: 48 of 1,598,734 alleles (0.003%); highest among the groups gnomAD compares: Admixed American, 0.028%; no homozygotes.

Submissions (6):

Labcorp Genetics (formerly Invitae), Labcorp
Classification: Likely benign. Last evaluated: 2025-10-06. Review status: criteria provided, single submitter. Criteria: Invitae Variant Classification Sherloc (09022015). Collection method: clinical testing. Allele origin: germline.

GeneDx
Classification: Uncertain significance. Last evaluated: 2023-04-11. Review status: criteria provided, single submitter. Criteria: GeneDx Variant Classification Process June 2021. Collection method: clinical testing. Allele origin: germline. Affected: yes.
Comment: In silico analysis suggests this variant may impact gene splicing. In the absence of RNA/functional studies, the actual effect of this sequence change is unknown.; Has not been previously published as pathogenic or benign to our knowledge

Blueprint Genetics
Classification: Likely benign. Last evaluated: 2021-12-27. Review status: criteria provided, single submitter. Criteria: ACMG Guidelines, 2015. Collection method: clinical testing. Allele origin: germline.

Clinical Genomics, Uppaluri K&H Personalized Medicine Clinic
Classification: Uncertain significance for Maturity-onset diabetes of the young. Review status: criteria provided, single submitter. Criteria: K & H Uppaluri Personalized Medicine Clinic Variant Classification & Assertion Criteria_Updated V.1. Collection method: research. Allele origin: unknown. Inheritance: Somatic mutation.
Comment: Mutations in ABCC8 gene are associated with both neonatal diabetes mellitus as well as MODY. Patients with this mutation may have a better response to sulfonylureas. However, no sufficient evidence is found to ascertain the role of this particular variant (rs369136858) in MODY yet.

Clinical Genomics, Uppaluri K&H Personalized Medicine Clinic
Classification: Uncertain significance for Transitory neonatal diabetes mellitus. Review status: criteria provided, single submitter. Criteria: K & H Uppaluri Personalized Medicine Clinic Variant Classification & Assertion Criteria_Updated V.1. Collection method: research. Allele origin: unknown. Inheritance: Somatic mutation.
Comment: Mutations in ABCC8 gene are associated with both neonatal diabetes mellitus as well as MODY. Patients with this mutation may have a better response to sulfonylureas. However, no sufficient evidence is found to ascertain the role of this particular variant (rs369136858) in neonatal diabetes yet.

Natera, Inc.
Classification: Likely benign for Hereditary hyperinsulinism. Last evaluated: 2020-02-06. Review status: no assertion criteria provided. Collection method: clinical testing. Allele origin: germline. Not counted in ClinVar's aggregate classification.

Literature cited by the submitters: PubMed 16885549 (cited by Clinical Genomics, Uppaluri K&H Personalized Medicine Clinic); PubMed 21989597 (cited by Clinical Genomics, Uppaluri K&H Personalized Medicine Clinic); PubMed 27538677 (cited by Clinical Genomics, Uppaluri K&H Personalized Medicine Clinic); PubMed 18981553 (cited by Clinical Genomics, Uppaluri K&H Personalized Medicine Clinic); PubMed 32027066 (cited by Clinical Genomics, Uppaluri K&H Personalized Medicine Clinic); PubMed 16613899 (cited by Clinical Genomics, Uppaluri K&H Personalized Medicine Clinic); PubMed 18025408 (cited by Clinical Genomics, Uppaluri K&H Personalized Medicine Clinic); PubMed 32792356 (cited by Clinical Genomics, Uppaluri K&H Personalized Medicine Clinic).

NM_000352.6(ABCC8):c.495G>A (p.Ser165=)

Gene: ABCC8 (ATP binding cassette subfamily C member 8; minus strand). Cytogenetic location: 11p15.1.
Variant type: single nucleotide variant.
Coding change: c.495G>A on transcript NM_000352.6 (MANE Select); coding-DNA position 495, G replaced by A.
Protein change: p.Ser165=; no amino-acid change (serine 165 retained).
Molecular consequence: synonymous variant. On other transcripts: non-coding transcript variant (1).
Genome position (GRCh38, 1-based): chr11:17,463,522, C>T on the plus strand (G>A on the coding strand, the complement: ABCC8 is on the minus strand). VCF-style: chr11-17463522-C-T. GRCh37 (hg19) VCF-style: chr11-17485069-C-T.
Other names: c.495G>A (NM_000352.3); c.495G>A, p.Ser165= (NM_001287174.3, NM_001351295.2, NM_001351296.2 and 1 more transcripts).
Identifiers: ClinVar variation 756559 (VCV000756559.15), dbSNP rs369136858, ClinGen allele CA5903859.